The following is an entry in ClinVar:

NM_001129820.2(SLFN14):c.1012C>T (p.Arg338Trp)

Gene: SLFN14 (schlafen family member 14; minus strand). Cytogenetic location: 17q12.
Variant type: single nucleotide variant.
Coding change: c.1012C>T on transcript NM_001129820.2 (MANE Select); coding-DNA position 1012, C replaced by T.
Protein change: p.Arg338Trp; replaces arginine 338 with tryptophan.
Molecular consequence: missense variant.
Genome position (GRCh38, 1-based): chr17:35,557,051, G>A on the plus strand (C>T on the coding strand, the complement: SLFN14 is on the minus strand). VCF-style: chr17-35557051-G-A. GRCh37 (hg19) VCF-style: chr17-33884070-G-A.
Other names: p.Arg338Trp; short protein forms R338W.
Identifiers: ClinVar variation 2588469 (VCV002588469.6), dbSNP rs373686913, ClinGen allele CA8504675.

ClinVar aggregate classification (germline): Uncertain significance. Review status: criteria provided, multiple submitters, no conflicts (2 of 4 stars). 3 submissions from 3 submitters: Uncertain significance (2). 1 of the submissions does not count toward it. Last evaluated 2025-08-04.

Conditions:
SLFN14-related disorder. Also called: SLFN14-related condition.
Inborn genetic diseases. Identifiers: MedGen C0950123, MeSH D030342.

Allele frequency attached by ClinVar (database versions not stated): gnomAD exomes 0.00021; ExAC 0.00026; gnomAD 0.00037; TOPMed 0.00060; 1000 Genomes Project 0.00080; ESP Exome Variant Server 0.00088; 1000 Genomes Project 30x 0.00109.
gnomAD v4.1: 359 of 1,551,640 alleles (0.023%); highest among the groups gnomAD compares: Middle Eastern, 0.13%; no homozygotes.

Submissions (3):

Ambry Genetics
Classification: Uncertain significance for Inborn genetic diseases. Last evaluated: 2025-08-04. Review status: criteria provided, single submitter. Criteria: Ambry Variant Classification Scheme 2023. Collection method: clinical testing. Allele origin: germline.

Mayo Clinic Laboratories, Mayo Clinic
Classification: Uncertain significance. Last evaluated: 2023-10-23. Review status: criteria provided, single submitter. Criteria: ACMG Guidelines, 2015. Collection method: clinical testing. Allele origin: germline. Observed: 1 variant allele.
Comment: BP4

PreventionGenetics, part of Exact Sciences
Classification: Likely benign for SLFN14-related condition. Last evaluated: 2023-11-27. Review status: no assertion criteria provided. Collection method: clinical testing. Allele origin: germline. Not counted in ClinVar's aggregate classification.
Comment: This variant is classified as likely benign based on ACMG/AMP sequence variant interpretation guidelines (Richards et al. 2015 PMID: 25741868, with internal and published modifications).